The following is an entry in ClinVar:

NM_020822.3(KCNT1):c.79T>G (p.Phe27Val)

Gene: KCNT1 (potassium sodium-activated channel subfamily T member 1; plus strand). Cytogenetic location: 9q34.3.
Variant type: single nucleotide variant.
Coding change: c.79T>G on transcript NM_020822.3 (MANE Select); coding-DNA position 79, T replaced by G.
Protein change: p.Phe27Val; replaces phenylalanine 27 with valine.
Molecular consequence: missense variant.
Genome position (GRCh38, 1-based): chr9:135,702,337, T>G. VCF-style: chr9-135702337-T-G. GRCh37 (hg19) VCF-style: chr9-138594183-T-G.
Other names: c.79T>G, p.Phe27Val (NM_001272003.2); short protein forms F27V.
Identifiers: ClinVar variation 2504336 (VCV002504336.1), dbSNP rs1835066411, ClinGen allele CA375492620.
Genomic context (GRCh38, chr9:135,702,337, plus strand): 5'-GCGCGGACCCCGGGGGGCGTCTGCCGGGAGGCGCGCGGCGGGGGCTACACCAACCGGACC[T>G]TCGAGTTTGACGACGGCCAATGCGCCCCCAGGTACAGTCTGCTGCGCCCTCCCCACGCGG-3'
Protein context (NP_065873.2, residues 17-37): ARGGGYTNRT[Phe27Val]EFDDGQCAPR

ClinVar aggregate classification (germline): Uncertain significance (1 of 4 stars; one submission).

Submission:

GeneDx
Classification: Uncertain significance. Last evaluated: 2022-12-01. Review status: criteria provided, single submitter. Criteria: GeneDx Variant Classification Process June 2021. Collection method: clinical testing. Allele origin: germline. Affected: yes.
Comment: Not observed at significant frequency in large population cohorts (gnomAD); In silico analysis supports that this missense variant does not alter protein structure/function; Has not been previously published as pathogenic or benign to our knowledge